The following is an entry in ClinVar:

NM_030916.3(NECTIN4):c.1338C>T (p.Ser446=)

Gene: NECTIN4 (nectin cell adhesion molecule 4; minus strand). Cytogenetic location: 1q23.3.
Variant type: single nucleotide variant.
Coding change: c.1338C>T on transcript NM_030916.3 (MANE Select); coding-DNA position 1338, C replaced by T.
Protein change: p.Ser446=; no amino-acid change (serine 446 retained).
Molecular consequence: synonymous variant.
Genome position (GRCh38, 1-based): chr1:161,072,856, G>A on the plus strand (C>T on the coding strand, the complement: NECTIN4 is on the minus strand). VCF-style: chr1-161072856-G-A. GRCh37 (hg19) VCF-style: chr1-161042646-G-A.
Identifiers: ClinVar variation 729008 (VCV000729008.11), dbSNP rs141513567, ClinGen allele CA1204815.

ClinVar aggregate classification (germline): Benign/Likely benign. Review status: criteria provided, multiple submitters, no conflicts (2 of 4 stars). 3 submissions from 3 submitters: Benign (2); Likely benign (1). Last evaluated 2026-05-01.

Allele frequency attached by ClinVar (database versions not stated): gnomAD 0.00024 and 0.00026; TOPMed 0.00048; gnomAD exomes 0.00070 and 0.00159; 1000 Genomes Project 0.00080; 1000 Genomes Project 30x 0.00109; ExAC 0.00142.
gnomAD v4.1: 459 of 1,614,076 alleles (0.028%); highest among the groups gnomAD compares: Admixed American, 0.76%; 3 homozygotes.

Submissions (3):

CeGaT Center for Human Genetics Tuebingen
Classification: Likely benign. Last evaluated: 2026-05-01. Review status: criteria provided, single submitter. Criteria: CeGaT Center For Human Genetics Tuebingen Variant Classification Criteria Version 2. Collection method: clinical testing. Allele origin: germline. Affected: yes. Observed: 1 variant allele.
Comment: NECTIN4: BP4, BP7

Labcorp Genetics (formerly Invitae), Labcorp
Classification: Benign. Last evaluated: 2026-01-05. Review status: criteria provided, single submitter. Criteria: Invitae Variant Classification Sherloc (09022015). Collection method: clinical testing. Allele origin: germline.

Breakthrough Genomics
Classification: Benign. Review status: criteria provided, single submitter. Criteria: ACMG Guidelines, 2015. Collection method: not provided. Allele origin: germline. Inheritance: Autosomal recessive inheritance. Affected: yes.